The following is an entry in ClinVar:

ClinVar aggregate classification (germline): Uncertain significance. Review status: criteria provided, multiple submitters, no conflicts (2 of 4 stars). 2 submissions from 2 submitters: Uncertain significance (2). Last evaluated 2025-09-26.

Conditions:
Severe combined immunodeficiency due to DNA-PKcs deficiency. Also called: Immunodeficiency 26 with or without neurologic abnormalities; IMMUNODEFICIENCY 26 WITH NEUROLOGIC ABNORMALITIES. Identifiers: Orphanet 317425, MedGen C4014833, MONDO:0014423, OMIM 615966.

Allele frequency attached by ClinVar (database versions not stated): gnomAD 0.00003; gnomAD exomes 0.00004 and 0.00001; TOPMed 0.00003.
gnomAD v4.1: 66 of 1,592,112 alleles (0.0041%); highest among the groups gnomAD compares: Non-Finnish European, 0.005%; no homozygotes.

Submissions (2):

Ambry Genetics
Classification: Uncertain significance. Last evaluated: 2025-09-26. Review status: criteria provided, single submitter. Criteria: Ambry Variant Classification Scheme 2023. Collection method: clinical testing. Allele origin: germline.

Labcorp Genetics (formerly Invitae), Labcorp
Classification: Uncertain significance for Severe combined immunodeficiency due to DNA-PKcs deficiency. Last evaluated: 2021-11-02. Review status: criteria provided, single submitter. Criteria: Invitae Variant Classification Sherloc (09022015). Collection method: clinical testing. Allele origin: germline.
Comment: This sequence change replaces lysine, which is basic and polar, with arginine, which is basic and polar, at codon 832 of the PRKDC protein (p.Lys832Arg). The frequency data for this variant in the population databases is considered unreliable, as metrics indicate poor data quality at this position in the gnomAD database. This variant has not been reported in the literature in individuals affected with PRKDC-related conditions. ClinVar contains an entry for this variant (Variation ID: 648738). In summary, the available evidence is currently insufficient to determine the role of this variant in disease. Therefore, it has been classified as a Variant of Uncertain Significance.

NM_006904.7(PRKDC):c.2495A>G (p.Lys832Arg)

Gene: PRKDC (protein kinase, DNA-activated, catalytic subunit; minus strand). Cytogenetic location: 8q11.21.
Variant type: single nucleotide variant.
Coding change: c.2495A>G on transcript NM_006904.7 (MANE Select); coding-DNA position 2495, A replaced by G.
Protein change: p.Lys832Arg; replaces lysine 832 with arginine.
Molecular consequence: missense variant.
Genome position (GRCh38, 1-based): chr8:47,918,308, T>C on the plus strand (A>G on the coding strand, the complement: PRKDC is on the minus strand). VCF-style: chr8-47918308-T-C. GRCh37 (hg19) VCF-style: chr8-48830868-T-C.
Other names: c.2495A>G, p.Lys832Arg (NM_001081640.2); short protein forms K832R.
Identifiers: ClinVar variation 648738 (VCV000648738.6), dbSNP rs1360824795, ClinGen allele CA371160358.
Genomic context (GRCh38, chr8:47,918,308, plus strand): 5'-AGGTACAGAAAATACAAAGGACTTCTTACTGATGAAAGGTTCTTTGTCTTCTTCAGATGC[T>C]TTAACACCACTTTATTAAATCCTTTCTGGGCAGCCCGAGAAAGAGCTGACACTTCCCAGT-3'
Protein context (NP_008835.5, residues 822-842): AQKGFNKVVL[Lys832Arg]HLKKTKNLSS